The following is an entry in ClinVar:

NM_001127649.3(PEX26):c.687C>T (p.Phe229=)

Gene: PEX26 (peroxisomal biogenesis factor 26; plus strand). Cytogenetic location: 22q11.21.
Variant type: single nucleotide variant.
Coding change: c.687C>T on transcript NM_001127649.3 (MANE Select); coding-DNA position 687, C replaced by T.
Protein change: p.Phe229=; no amino-acid change (phenylalanine 229 retained).
Molecular consequence: synonymous variant. On other transcripts: intron variant (1).
Genome position (GRCh38, 1-based): chr22:18,085,131, C>T. VCF-style: chr22-18085131-C-T. GRCh37 (hg19) VCF-style: chr22-18567897-C-T.
Other names: c.687C>T (NM_017929.5); c.687C>T, p.Phe229= (NM_017929.6); c.667+1399C>T (NM_001199319.2).
Identifiers: ClinVar variation 1917248 (VCV001917248.6), dbSNP rs2517673293, ClinGen allele CA512916646.
Genomic context (GRCh38, chr22:18,085,131, plus strand): 5'-CCCATGACATCCCTGAAGCTGTGCTCTGTCTCCCTGGCCAGGCTCTGTCTCCCACAAGTT[C>T]CTGTCACTACCGATGTTGGTTCGCCAGCTTTGGGACTCTGCGGTGAGCCACTTCTTTTCT-3'
Protein context (NP_001121121.1, residues 219-239): PNLEGSVSHK[Phe229=]LSLPMLVRQL

ClinVar aggregate classification (germline): Likely benign. Review status: criteria provided, multiple submitters, no conflicts (2 of 4 stars). 2 submissions from 2 submitters: Likely benign (2). Last evaluated 2025-12-17.

Conditions:
PEX26-related disorder. Also called: PEX26-related condition.
Peroxisome biogenesis disorder 7A (Zellweger). Also called: Peroxisome biogenesis disorder 7A. Identifiers: Orphanet 912, MedGen C3888385, MONDO:0013938, OMIM 614872.
Peroxisome biogenesis disorder 7B (PBD7B). Identifiers: Orphanet 44, MedGen C3553951, MONDO:0013939, OMIM 614873.

Allele frequency attached by ClinVar (database versions not stated): gnomAD exomes below 0.00001.
gnomAD v4.1: 1 of 1,614,126 alleles (0.000062%); highest among the groups gnomAD compares: Admixed American, 0.0017%; no homozygotes.

Submissions (2):

Labcorp Genetics (formerly Invitae), Labcorp
Classification: Likely benign for Peroxisome biogenesis disorder 7A (Zellweger); Peroxisome biogenesis disorder 7B. Last evaluated: 2025-12-17. Review status: criteria provided, single submitter. Criteria: Invitae Variant Classification Sherloc (09022015). Collection method: clinical testing. Allele origin: germline.

PreventionGenetics, part of Exact Sciences
Classification: Likely benign for PEX26-related condition. Last evaluated: 2024-10-23. Review status: criteria provided, single submitter. Criteria: ACMG Guidelines, 2015. Collection method: clinical testing. Allele origin: germline.
Comment: This variant is classified as likely benign based on ACMG/AMP sequence variant interpretation guidelines (Richards et al. 2015 PMID: 25741868, with internal and published modifications).